The following is an entry in ClinVar:

ClinVar aggregate classification (germline): Uncertain significance. Review status: criteria provided, single submitter (1 of 4 stars). 3 submissions from 3 submitters: Uncertain significance (1). 2 of the submissions do not count toward it. Last evaluated 2019-09-23.

Allele frequency attached by ClinVar (database versions not stated): ExAC 0.00002; gnomAD exomes 0.00004; TOPMed 0.00006; ESP Exome Variant Server 0.00008; gnomAD 0.00010 and 0.00011.
gnomAD v4.1: 245 of 1,613,784 alleles (0.015%); highest among the groups gnomAD compares: Non-Finnish European, 0.02%; no homozygotes.

Submissions (3):

GeneDx
Classification: Uncertain significance. Last evaluated: 2019-09-23. Review status: criteria provided, single submitter. Criteria: GeneDx Variant Classification Process June 2021. Collection method: clinical testing. Allele origin: germline. Affected: yes.
Comment: Has not been previously published as pathogenic or benign to our knowledge; In silico analysis, which includes splice predictors and evolutionary conservation, supports that this variant does not alter protein structure/function

Genome Diagnostics Laboratory, University Medical Center Utrecht
Classification: Likely benign. Review status: no assertion criteria provided. Collection method: clinical testing. Allele origin: germline. Affected: yes. Study: VKGL Data-share Consensus. Not counted in ClinVar's aggregate classification.

Joint Genome Diagnostic Labs from Nijmegen and Maastricht, Radboudumc and MUMC+
Classification: Likely benign. Review status: no assertion criteria provided. Collection method: clinical testing. Allele origin: germline. Affected: yes. Study: VKGL Data-share Consensus. Not counted in ClinVar's aggregate classification.

NM_001032283.3(TMPO):c.949A>T (p.Ile317Leu)

Gene: TMPO (thymopoietin; plus strand). Cytogenetic location: 12q23.1.
Variant type: single nucleotide variant.
Coding change: c.949A>T on transcript NM_001032283.3 (MANE Select); coding-DNA position 949, A replaced by T.
Protein change: p.Ile317Leu; replaces isoleucine 317 with leucine.
Molecular consequence: missense variant. On other transcripts: intron variant (1).
Genome position (GRCh38, 1-based): chr12:98,545,020, A>T. VCF-style: chr12-98545020-A-T. GRCh37 (hg19) VCF-style: chr12-98938798-A-T.
Other names: c.829A>T, p.Ile277Leu (NM_001307975.2); c.664-1339A>T (NM_001032284.3); short protein forms I277L, I317L.
Identifiers: ClinVar variation 1215768 (VCV001215768.5), dbSNP rs368800243, ClinGen allele CA6732659.